The following is an entry in ClinVar:

NM_001366145.2(TRPM3):c.1425T>A (p.Phe475Leu)

Gene: TRPM3 (transient receptor potential cation channel subfamily M member 3; minus strand). Cytogenetic location: 9q21.12.
Variant type: single nucleotide variant.
Coding change: c.1425T>A on transcript NM_001366145.2 (MANE Select); coding-DNA position 1425, T replaced by A.
Protein change: p.Phe475Leu; replaces phenylalanine 475 with leucine.
Molecular consequence: missense variant.
Genome position (GRCh38, 1-based): chr9:70,640,581, A>T on the plus strand (T>A on the coding strand, the complement: TRPM3 is on the minus strand). VCF-style: chr9-70640581-A-T. GRCh37 (hg19) VCF-style: chr9-73255497-A-T.
Other names: c.1425T>A, p.Phe475Leu (NM_001007471.4, NM_001366146.2, NM_001366149.2 and 2 more transcripts); c.1431T>A, p.Phe477Leu (NM_001366141.2, NM_001366142.2, NM_001366143.2); c.1500T>A, p.Phe500Leu (NM_001366147.2, NM_001366148.2, NM_001366152.2); c.966T>A, p.Phe322Leu (NM_001366154.2, NM_020952.6, NM_024971.7 and 2 more transcripts); c.1041T>A, p.Phe347Leu (NM_206946.5, NM_206947.5); short protein forms F322L, F347L, F475L, F477L, F500L.
Identifiers: ClinVar variation 4282003 (VCV004282003.1).

ClinVar aggregate classification (germline): Uncertain significance (1 of 4 stars; one submission).

Submission:

GeneDx
Classification: Uncertain significance. Last evaluated: 2025-04-15. Review status: criteria provided, single submitter. Criteria: GeneDx Variant Classification Process June 2021. Collection method: clinical testing. Allele origin: germline. Affected: yes.
Comment: Not observed at significant frequency in large population cohorts (gnomAD); In silico analysis supports that this missense variant has a deleterious effect on protein structure/function; Has not been previously published as pathogenic or benign to our knowledge